The following is an entry in ClinVar:

NM_138691.3(TMC1):c.*183A>G

Gene: TMC1 (transmembrane channel like 1; plus strand). Cytogenetic location: 9q21.13.
Variant type: single nucleotide variant.
Coding change: c.*183A>G on transcript NM_138691.3 (MANE Select); 183 bases downstream of the stop codon, A replaced by G.
Molecular consequence: 3 prime UTR variant.
Genome position (GRCh38, 1-based): chr9:72,836,156, A>G. VCF-style: chr9-72836156-A-G. GRCh37 (hg19) VCF-style: chr9-75451072-A-G.
Identifiers: ClinVar variation 367267 (VCV000367267.5), dbSNP rs71507808, ClinGen allele CA10630392.

ClinVar aggregate classification (germline): Conflicting classifications of pathogenicity. Review status: criteria provided, conflicting classifications (1 of 4 stars). 2 submissions from 1 submitter: Uncertain significance (1); Benign (1). Last evaluated 2018-01-13.

Conditions:
Autosomal recessive nonsyndromic hearing loss 7. Also called: DEAFNESS, AUTOSOMAL RECESSIVE 11. Identifiers: Orphanet 90636, MedGen C1832978, MONDO:0010967, OMIM 600974.
Autosomal dominant nonsyndromic hearing loss 36. Identifiers: Orphanet 90635, MedGen C1847626, MONDO:0011708, OMIM 606705.

Allele frequency attached by ClinVar (database versions not stated): 1000 Genomes Project 0.01398; 1000 Genomes Project 30x 0.01405; gnomAD 0.02470 and 0.02514; TOPMed 0.02587; gnomAD exomes 0.02762.
gnomAD v4.1: 19,625 of 721,928 alleles (2.7%); highest among the groups gnomAD compares: Non-Finnish European, 3.5%; 392 homozygotes.

Submissions (2):

Illumina Laboratory Services, Illumina
Classification: Uncertain significance for Autosomal recessive nonsyndromic hearing loss 7. Last evaluated: 2018-01-13. Review status: criteria provided, single submitter. Criteria: ICSL Variant Classification Criteria 13 December 2019. Collection method: clinical testing. Allele origin: germline.

Illumina Laboratory Services, Illumina
Classification: Benign for Autosomal dominant nonsyndromic hearing loss 36. Last evaluated: 2018-01-13. Review status: criteria provided, single submitter. Criteria: ICSL Variant Classification Criteria 13 December 2019. Collection method: clinical testing. Allele origin: germline.
Comment: This variant was observed in the ICSL laboratory as part of a predisposition screen in an ostensibly healthy population. It had not been previously curated by ICSL or reported in the Human Gene Mutation Database (HGMD: prior to June 1st, 2018), and was therefore a candidate for classification through an automated scoring system. Utilizing variant allele frequency, disease prevalence and penetrance estimates, and inheritance mode, an automated score was calculated to assess if this variant is too frequent to cause the disease. Based on the score and internal cut-off values, a variant classified as benign is not then subjected to further curation. The score for this variant resulted in a classification of benign for this disease.